The following is an entry in ClinVar:

NM_000487.6(ARSA):c.680C>T (p.Ser227Phe)

Gene: ARSA (arylsulfatase A; minus strand). Cytogenetic location: 22q13.33.
Variant type: single nucleotide variant.
Coding change: c.680C>T on transcript NM_000487.6 (MANE Select); coding-DNA position 680, C replaced by T.
Protein change: p.Ser227Phe; replaces serine 227 with phenylalanine.
Molecular consequence: missense variant.
Genome position (GRCh38, 1-based): chr22:50,626,838, G>A on the plus strand (C>T on the coding strand, the complement: ARSA is on the minus strand). VCF-style: chr22-50626838-G-A. GRCh37 (hg19) VCF-style: chr22-51065266-G-A.
Other names: c.680C>T, p.Ser227Phe (NM_001085425.3, NM_001085426.3, NM_001085427.3); c.422C>T, p.Ser141Phe (NM_001085428.3, NM_001362782.2); short protein forms S141F, S227F.
Identifiers: ClinVar variation 2078918 (VCV002078918.4), dbSNP rs138468395, ClinGen allele CA412176879.

ClinVar aggregate classification (germline): Likely pathogenic (1 of 4 stars; one submission).

Conditions:
Metachromatic leukodystrophy (MLD). Also called: SULFATIDE LIPIDOSIS; Cerebral sclerosis diffuse metachromatic form; ARSA DEFICIENCY; CEREBROSIDE SULFATASE DEFICIENCY; Arylsulfatase A Deficiency; METACHROMATIC LEUKOENCEPHALOPATHY. Identifiers: Orphanet 512, MedGen C0023522, MONDO:0018868, OMIM 250100.

Submission:

Labcorp Genetics (formerly Invitae), Labcorp
Classification: Likely pathogenic for Metachromatic leukodystrophy. Last evaluated: 2022-01-11. Review status: criteria provided, single submitter. Criteria: Invitae Variant Classification Sherloc (09022015). Collection method: clinical testing. Allele origin: germline.
Comment: This missense change has been observed in individual(s) with leukodystrophy (Invitae). In at least one individual the data is consistent with being in trans (on the opposite chromosome) from a pathogenic variant. This sequence change replaces serine, which is neutral and polar, with phenylalanine, which is neutral and non-polar, at codon 227 of the ARSA protein (p.Ser227Phe). This variant is not present in population databases (gnomAD no frequency). Advanced modeling of protein sequence and biophysical properties (such as structural, functional, and spatial information, amino acid conservation, physicochemical variation, residue mobility, and thermodynamic stability) performed at Invitae indicates that this missense variant is expected to disrupt ARSA protein function. In summary, the currently available evidence indicates that the variant is pathogenic, but additional data are needed to prove that conclusively. Therefore, this variant has been classified as Likely Pathogenic.